The following is an entry in ClinVar:

ClinVar aggregate classification (germline): Uncertain significance (1 of 4 stars; one submission).

Submission:

Labcorp Genetics (formerly Invitae), Labcorp
Classification: Uncertain significance. Last evaluated: 2023-12-21. Review status: criteria provided, single submitter. Criteria: Invitae Variant Classification Sherloc (09022015). Collection method: clinical testing. Allele origin: germline.
Comment: This sequence change replaces glutamine, which is neutral and polar, with arginine, which is basic and polar, at codon 643 of the CNGB1 protein (p.Gln643Arg). This variant is not present in population databases (gnomAD no frequency). This variant has not been reported in the literature in individuals affected with CNGB1-related conditions. Advanced modeling of protein sequence and biophysical properties (such as structural, functional, and spatial information, amino acid conservation, physicochemical variation, residue mobility, and thermodynamic stability) performed at Invitae indicates that this missense variant is not expected to disrupt CNGB1 protein function with a negative predictive value of 80%. In summary, the available evidence is currently insufficient to determine the role of this variant in disease. Therefore, it has been classified as a Variant of Uncertain Significance.

NM_001297.5(CNGB1):c.1928A>G (p.Gln643Arg)

Gene: CNGB1 (cyclic nucleotide gated channel subunit beta 1; minus strand). Cytogenetic location: 16q21.
Variant type: single nucleotide variant.
Coding change: c.1928A>G on transcript NM_001297.5 (MANE Select); coding-DNA position 1928, A replaced by G.
Protein change: p.Gln643Arg; replaces glutamine 643 with arginine.
Molecular consequence: missense variant.
Genome position (GRCh38, 1-based): chr16:57,919,128, T>C on the plus strand (A>G on the coding strand, the complement: CNGB1 is on the minus strand). VCF-style: chr16-57919128-T-C. GRCh37 (hg19) VCF-style: chr16-57953032-T-C.
Other names: c.1910A>G, p.Gln637Arg (NM_001286130.2); short protein forms Q637R, Q643R.
Identifiers: ClinVar variation 2807803 (VCV002807803.3), dbSNP rs2544635085, ClinGen allele CA396065497.